The following is an entry in ClinVar:

NM_178014.4(TUBB):c.1230G>T (p.Glu410Asp)

Gene: TUBB (tubulin beta class I; plus strand). Cytogenetic location: 6p21.33.
Variant type: single nucleotide variant.
Coding change: c.1230G>T on transcript NM_178014.4 (MANE Select); coding-DNA position 1230, G replaced by T.
Protein change: p.Glu410Asp; replaces glutamic acid 410 with aspartic acid.
Molecular consequence: missense variant. On other transcripts: non-coding transcript variant (1).
Genome position (GRCh38, 1-based): chr6:30,724,292, G>T. VCF-style: chr6-30724292-G-T. GRCh37 (hg19) VCF-style: chr6-30692069-G-T.
Other names: c.1290G>T, p.Glu430Asp (NM_001293212.2); c.624G>T, p.Glu208Asp (NM_001293213.2); c.1098G>T, p.Glu366Asp (NM_001293214.2); c.1014G>T, p.Glu338Asp (NM_001293215.2, NM_001293216.2); short protein forms E410D, E338D, E430D, E366D, E208D.
Identifiers: ClinVar variation 426178 (VCV000426178.3), dbSNP rs1085307486, ClinGen allele CA363151660.

ClinVar aggregate classification (germline): Likely pathogenic (1 of 4 stars; one submission).

Submission:

GeneDx
Classification: Likely pathogenic. Last evaluated: 2026-10-14. Review status: criteria provided, single submitter. Criteria: GeneDx Variant Classification Process June 2021. Collection method: clinical testing. Allele origin: germline.
Comment: Not observed at significant frequency in large population cohorts (gnomAD); In silico analysis suggests that this missense variant does not alter protein structure/function; Has not been previously published as pathogenic or benign to our knowledge